The following is an entry in ClinVar:

ClinVar aggregate classification (germline): Likely benign. Review status: criteria provided, multiple submitters, no conflicts (2 of 4 stars). 2 submissions from 2 submitters: Likely benign (2). Last evaluated 2018-06-16.

Allele frequency attached by ClinVar (database versions not stated): gnomAD exomes 0.00079; gnomAD 0.00745 and 0.00796; TOPMed 0.00839; 1000 Genomes Project 0.00998; 1000 Genomes Project 30x 0.01015.
gnomAD v4.1: 1,339 of 395,232 alleles (0.34%); highest among the groups gnomAD compares: African/African-American, 2.6%; 13 homozygotes.

Submissions (2):

GeneDx
Classification: Likely benign. Last evaluated: 2018-06-16. Review status: criteria provided, single submitter. Criteria: GeneDx Variant Classification (06012015). Collection method: clinical testing. Allele origin: germline. Affected: yes.
Comment: This variant is considered likely benign or benign based on one or more of the following criteria: it is a conservative change, it occurs at a poorly conserved position in the protein, it is predicted to be benign by multiple in silico algorithms, and/or has population frequency not consistent with disease.

Breakthrough Genomics
Classification: Likely benign. Review status: criteria provided, single submitter. Criteria: ACMG Guidelines, 2015. Collection method: not provided. Allele origin: germline. Inheritance: Autosomal recessive inheritance. Affected: yes.

NM_001005361.3(DNM2):c.161+248G>C

Gene: DNM2 (dynamin 2; plus strand). Cytogenetic location: 19p13.2.
Variant type: single nucleotide variant.
Coding change: c.161+248G>C on transcript NM_001005361.3 (MANE Select); 248 bases into the intron after coding-DNA position 161, G replaced by C.
Molecular consequence: intron variant.
Genome position (GRCh38, 1-based): chr19:10,718,651, G>C. VCF-style: chr19-10718651-G-C. GRCh37 (hg19) VCF-style: chr19-10829327-G-C.
Other names: c.161+248G>C (NM_001005360.3, NM_001190716.2, NM_004945.4 and 1 more transcripts).
Identifiers: ClinVar variation 678428 (VCV000678428.2), dbSNP rs75654370, ClinGen allele CA14711341.